The following is an entry in ClinVar:

NC_000005.10:g.(83680192_88578583)_(90327124_90368264)del

Genes: CCNH (cyclin H; minus strand), COX7C (cytochrome c oxidase subunit 7C; plus strand), CRE1 (CRE1 CAGE-defined tissue-specific enhancer; plus strand), EDIL3 (EGF like and discoidin domains 3; minus strand), EDIL3-DT (EDIL3 divergent transcript; plus strand) and 86 more. Cytogenetic location: 5q14.3.
Variant type: Deletion.
Identifiers: ClinVar variation 4974530 (VCV004974530.1).

ClinVar aggregate classification (germline): Pathogenic (1 of 4 stars; one submission).

Conditions:
Developmental and epileptic encephalopathy, 1 (DEE1). Also called: X-linked infantile spasms; West's syndrome; Tonic spasms with clustering, arrest of psychomotor development and hypsarrhythmia on EEG; X-Linked Infantile Spasm Syndrome; OHTAHARA SYNDROME, X-LINKED; INFANTILE SPASM SYNDROME, X-LINKED 1. Identifiers: MedGen C3463992, MONDO:0010632, OMIM 308350. Disease mechanism: loss of function.

Submission:

Solve-RD Consortium
Classification: Pathogenic for Developmental and epileptic encephalopathy, 1. Review status: criteria provided, single submitter. Criteria: ACMG/ClinGen CNV Guidelines, 2019. Collection method: provider interpretation. Allele origin: germline. Inheritance: Autosomal dominant inheritance. Affected: yes. Study: Solve-RD DIFT-EpiCARE reanalysis.
Comment: 2A, 4B, 4L

Variant identified during reanalysis of unsolved cases by the Solve-RD project. The Solve-RD project has received funding from the European Union’s Horizon 2020 research and innovation programme under grant agreement No 779257.